The following is an entry in ClinVar:

ClinVar aggregate classification (germline): Conflicting classifications of pathogenicity. Review status: criteria provided, conflicting classifications (1 of 4 stars). 10 submissions from 8 submitters: Uncertain significance (4); Benign (2); Likely benign (3). 1 of the submissions does not count toward it. Last evaluated 2025-12-24.

Conditions:
Distal spinal muscular atrophy. Also called: Distal hereditary motor neuropathy; Distal hereditary motor neuronopathy. Identifiers: Orphanet 53739, MedGen C0393541, MONDO:0018894.
Charcot-Marie-Tooth disease type 2. Also called: Charcot-Marie-Tooth type 2. Identifiers: Orphanet 64746, MedGen C0270914, MONDO:0018993.
Charcot-Marie-Tooth disease type 2D (CMT2D). Also called: CHARCOT-MARIE-TOOTH DISEASE, NEURONAL, TYPE 2D; Charcot-Marie-Tooth Neuropathy Type 2D; CHARCOT-MARIE-TOOTH DISEASE, AXONAL, TYPE 2D; GARS1 Adolescent- or Early Adult-Onset Hereditary Motor/Sensory Neuropathy (GARS1-HMSN). Identifiers: Orphanet 99938, MedGen C1832274, MONDO:0011091, OMIM 601472.
Neuronopathy, distal hereditary motor, type 5A (HMND5). Also called: NEURONOPATHY, DISTAL HEREDITARY MOTOR, AUTOSOMAL DOMINANT 5; Distal Spinal Muscular Atrophy V; DHMN VA; Distal Spinal Muscular Atrophy V (dSMA-V). Identifiers: Orphanet 139536, MedGen CN031873, MONDO:0015353, OMIM 600794.
Tip-toe gait. Also called: Toe walking. Identifiers: MedGen C0427144, HP:0030051.

Allele frequency attached by ClinVar (database versions not stated): gnomAD 0.00005 and 0.00006; TOPMed 0.00005; gnomAD exomes 0.00006 and 0.00008; ESP Exome Variant Server 0.00008; ExAC 0.00011.
gnomAD v4.1: 96 of 1,613,252 alleles (0.006%); highest among the groups gnomAD compares: Non-Finnish European, 0.0072%; no homozygotes.

Submissions (10):

Labcorp Genetics (formerly Invitae), Labcorp
Classification: Uncertain significance for Charcot-Marie-Tooth disease type 2. Last evaluated: 2025-12-24. Review status: criteria provided, single submitter. Criteria: Invitae Variant Classification Sherloc (09022015). Collection method: clinical testing. Allele origin: germline.
Comment: This sequence change replaces valine, which is neutral and non-polar, with isoleucine, which is neutral and non-polar, at codon 618 of the GARS protein (p.Val618Ile). This variant is present in population databases (rs369894731, gnomAD 0.01%). This variant has not been reported in the literature in individuals affected with GARS-related conditions. ClinVar contains an entry for this variant (Variation ID: 216550). Invitae Evidence Modeling of protein sequence and biophysical properties (such as structural, functional, and spatial information, amino acid conservation, physicochemical variation, residue mobility, and thermodynamic stability) indicates that this missense variant is not expected to disrupt GARS protein function with a negative predictive value of 95%. In summary, the available evidence is currently insufficient to determine the role of this variant in disease. Therefore, it has been classified as a Variant of Uncertain Significance.

CeGaT Center for Human Genetics Tuebingen
Classification: Uncertain significance. Last evaluated: 2025-05-01. Review status: criteria provided, single submitter. Criteria: CeGaT Center For Human Genetics Tuebingen Variant Classification Criteria Version 2. Collection method: clinical testing. Allele origin: germline. Affected: yes. Observed: 1 variant allele.

Mayo Clinic Laboratories, Mayo Clinic
Classification: Uncertain significance. Last evaluated: 2024-11-01. Review status: criteria provided, single submitter. Criteria: ACMG Guidelines, 2015. Collection method: clinical testing. Allele origin: germline. Observed: 2 variant alleles.
Comment: BS2

Athena Diagnostics
Classification: Uncertain significance. Last evaluated: 2023-01-11. Review status: criteria provided, single submitter. Criteria: Athena Diagnostics Criteria. Collection method: clinical testing. Allele origin: unknown.
Comment: Available data are insufficient to determine the clinical significance of the variant at this time. The frequency of this variant in the general population is higher than would generally be expected for pathogenic variants in this gene. Computational tools predict that this variant is not damaging.

Ambry Genetics
Classification: Likely benign. Last evaluated: 2020-08-03. Review status: criteria provided, single submitter. Criteria: Ambry Variant Classification Scheme 2023. Collection method: clinical testing. Allele origin: germline.

GeneDx
Classification: Likely benign. Last evaluated: 2019-04-18. Review status: criteria provided, single submitter. Criteria: GeneDx Variant Classification Process June 2021. Collection method: clinical testing. Allele origin: germline. Affected: yes.

Illumina Laboratory Services, Illumina
Classification: Benign for Distal hereditary motor neuronopathy type 5. Last evaluated: 2018-01-13. Review status: criteria provided, single submitter. Criteria: ICSL Variant Classification Criteria 13 December 2019. Collection method: clinical testing. Allele origin: germline.
Comment: This variant was observed in the ICSL laboratory as part of a predisposition screen in an ostensibly healthy population. It had not been previously curated by ICSL or reported in the Human Gene Mutation Database (HGMD: prior to June 1st, 2018), and was therefore a candidate for classification through an automated scoring system. Utilizing variant allele frequency, disease prevalence and penetrance estimates, and inheritance mode, an automated score was calculated to assess if this variant is too frequent to cause the disease. Based on the score and internal cut-off values, a variant classified as benign is not then subjected to further curation. The score for this variant resulted in a classification of benign for this disease.

Illumina Laboratory Services, Illumina
Classification: Benign for Distal Spinal Muscular Atrophy. Last evaluated: 2018-01-13. Review status: criteria provided, single submitter. Criteria: ICSL Variant Classification Criteria 13 December 2019. Collection method: clinical testing. Allele origin: germline.
Comment: the same text as in the submission from Illumina Laboratory Services, Illumina above.

Illumina Laboratory Services, Illumina
Classification: Likely benign for Charcot-Marie-Tooth disease type 2D. Last evaluated: 2018-01-13. Review status: criteria provided, single submitter. Criteria: ICSL Variant Classification Criteria 13 December 2019. Collection method: clinical testing. Allele origin: germline.
Comment: This variant was observed in the ICSL laboratory as part of a predisposition screen in an ostensibly healthy population. It had not been previously curated by ICSL or reported in the Human Gene Mutation Database (HGMD: prior to June 1st, 2018), and was therefore a candidate for classification through an automated scoring system. Utilizing variant allele frequency, disease prevalence and penetrance estimates, and inheritance mode, an automated score was calculated to assess if this variant is too frequent to cause the disease. Based on the score and internal cut-off values, a variant classified as likely benign is not then subjected to further curation. The score for this variant resulted in a classification of likely benign for this disease.

Practice for Gait Abnormalities, David Pomarino, Competency Network Toe Walking C/o Practice Pomarino
Classification: Likely pathogenic for Tip-toe gait. Review status: no assertion criteria provided. Collection method: clinical testing. Allele origin: germline. Affected: yes. Not counted in ClinVar's aggregate classification.
Comment: Hereditary motor sensory neuropathy (HMSN), also known as Charcot-Marie-Tooth Disease (CMT), is the most commonly inherited peripheral polyneuropathy. It constitutes a group of inherited, progressive, motor and sensory peripheral nerve disorders with properties of demyelination, axonal degeneration, or both. It is classified by clinical characteristics, modes of inheritance, electrophysiologic features, metabolic defects, and specific gene markers. Our patients all walk on tiptoe, so they show similar symptoms. When we genetically test them with our toe walking panel, we find that around 90 per cent of them have a genetic variant that explains their toe walking. These can be assigned, for example, to the area of myopathies (such as variants of the COL6A3 gene), the area of hereditary neuropathies (such as variants of the KMT2C gene) or the area of metabolic diseases (such as variants of the PYGM gene). In a smaller group of patients with almost identical symptoms, no abnormality is found in the genes of our panel, but spastic paraplegia can be detected. In another small group of our toe walkers, no abnormalities can be detected in the genes analysed in our toe walking panel, nor do they suffer from spastic paraplegia, as is also the case with healthy children. In contrast to these, however, they show a tiptoe gait. These patients suffer from infantile cerebral palsy, in which toe walking can also be observed.

Literature cited by the submitters: PubMed 25614874 (cited by Athena Diagnostics); PubMed 37091313 (cited by Practice for Gait Abnormalities, David Pomarino, Competency Network Toe Walking C/o Practice Pomarino).

NM_002047.4(GARS1):c.1852G>A (p.Val618Ile)

Gene: GARS1 (glycyl-tRNA synthetase 1; plus strand). Cytogenetic location: 7p14.3.
Variant type: single nucleotide variant.
Coding change: c.1852G>A on transcript NM_002047.4 (MANE Select); coding-DNA position 1852, G replaced by A.
Protein change: p.Val618Ile; replaces valine 618 with isoleucine.
Molecular consequence: missense variant.
Genome position (GRCh38, 1-based): chr7:30,631,490, G>A. VCF-style: chr7-30631490-G-A. GRCh37 (hg19) VCF-style: chr7-30671106-G-A.
Other names: c.1852G>A (LRG_243t1); c.1690G>A, p.Val564Ile (NM_001316772.1); short protein forms V618I, V564I.
Identifiers: ClinVar variation 216550 (VCV000216550.35), dbSNP rs369894731, ClinGen allele CA336802.
Genomic context (GRCh38, chr7:30,631,490, plus strand): 5'-TCTTTTTAAATCATCCAGTTCTTCAGTTTCCCTGCTGTAGTTGCTCCATTCAAATGTTCC[G>A]TCCTCCCACTGAGCCAAAACCAGGAGTTCATGCCATTTGTCAAGGAATTATGTAAGCAAA-3'
Protein context (NP_002038.2, residues 608-628): PAVVAPFKCS[Val618Ile]LPLSQNQEFM